The following is an entry in ClinVar:

ClinVar aggregate classification (germline): Uncertain significance (1 of 4 stars; one submission).

gnomAD v4.1: 3 of 1,614,038 alleles (0.00019%); highest among the groups gnomAD compares: African/African-American, 0.0013%; no homozygotes.

Submission:

GeneDx
Classification: Uncertain significance. Last evaluated: 2024-09-05. Review status: criteria provided, single submitter. Criteria: GeneDx Variant Classification Process June 2021. Collection method: clinical testing. Allele origin: germline. Affected: yes.
Comment: Not observed at significant frequency in large population cohorts (gnomAD); In silico analysis indicates that this missense variant does not alter protein structure/function; Has not been previously published as pathogenic or benign to our knowledge

NM_020987.5(ANK3):c.11431C>T (p.His3811Tyr)

Gene: ANK3 (ankyrin 3; minus strand). Cytogenetic location: 10q21.2.
Variant type: single nucleotide variant.
Coding change: c.11431C>T on transcript NM_020987.5 (MANE Select); coding-DNA position 11431, C replaced by T.
Protein change: p.His3811Tyr; replaces histidine 3811 with tyrosine.
Molecular consequence: missense variant. On other transcripts: intron variant (4).
Genome position (GRCh38, 1-based): chr10:60,069,450, G>A on the plus strand (C>T on the coding strand, the complement: ANK3 is on the minus strand). VCF-style: chr10-60069450-G-A. GRCh37 (hg19) VCF-style: chr10-61829208-G-A.
Other names: c.4388-1441C>T (NM_001204403.2); c.4409-1441C>T (NM_001204404.2); c.4406-1441C>T (NM_001320874.2); c.1808-1441C>T (NM_001149.4); short protein forms H3811Y.
Identifiers: ClinVar variation 3767468 (VCV003767468.1).